The following is an entry in ClinVar:

NM_004168.4(SDHA):c.1365C>T (p.Asn455=)

Gene: SDHA (succinate dehydrogenase complex flavoprotein subunit A; plus strand). Cytogenetic location: 5p15.33.
Variant type: single nucleotide variant.
Coding change: c.1365C>T on transcript NM_004168.4 (MANE Select); coding-DNA position 1365, C replaced by T.
Protein change: p.Asn455=; no amino-acid change (asparagine 455 retained).
Molecular consequence: synonymous variant.
Genome position (GRCh38, 1-based): chr5:236,532, C>T. VCF-style: chr5-236532-C-T. GRCh37 (hg19) VCF-style: chr5-236647-C-T.
Other names: c.1221C>T, p.Asn407= (NM_001294332.2); c.1365C>T, p.Asn455= (NM_001330758.2).
Identifiers: ClinVar variation 818946 (VCV000818946.13), dbSNP rs1579409853, ClinGen allele CA442692120.

ClinVar aggregate classification (germline): Benign/Likely benign. Review status: criteria provided, multiple submitters, no conflicts (2 of 4 stars). 3 submissions from 3 submitters: Benign (1); Likely benign (2). Last evaluated 2025-03-10.

Conditions:
Pheochromocytoma/paraganglioma syndrome 5. Also called: Paragangliomas 5; SDHA-Related Hereditary Paraganglioma-Pheochromocytoma Syndrome. Identifiers: Orphanet 29072, MedGen C3279992, MONDO:0013602, OMIM 614165.
Mitochondrial complex II deficiency, nuclear type 1. Also called: SUCCINATE CoQ REDUCTASE DEFICIENCY. Identifiers: Orphanet 3208, MedGen C5700310, MONDO:0100294, OMIM 252011.
Hereditary cancer-predisposing syndrome. Also called: Tumor predisposition; Hereditary neoplastic syndrome; Neoplastic Syndromes, Hereditary; Hereditary Cancer Syndrome. Identifiers: Orphanet 140162, MedGen C0027672, MeSH D009386, MONDO:0015356.

Submissions (3):

Myriad Genetics, Inc.
Classification: Benign for Pheochromocytoma/paraganglioma syndrome 5. Last evaluated: 2025-03-10. Review status: criteria provided, single submitter. Criteria: Myriad Autosomal Dominant, Autosomal Recessive and X-Linked Classification Criteria (2023). Collection method: clinical testing. Allele origin: unknown.
Comment: This variant is considered benign. This variant is a silent/synonymous amino acid change and it is not expected to impact splicing.

Labcorp Genetics (formerly Invitae), Labcorp
Classification: Likely benign for Pheochromocytoma/paraganglioma syndrome 5; Mitochondrial complex II deficiency, nuclear type 1. Last evaluated: 2024-02-07. Review status: criteria provided, single submitter. Criteria: Invitae Variant Classification Sherloc (09022015). Collection method: clinical testing. Allele origin: germline.

Ambry Genetics
Classification: Likely benign for Hereditary cancer-predisposing syndrome. Last evaluated: 2019-03-06. Review status: criteria provided, single submitter. Criteria: Ambry Variant Classification Scheme 2023. Collection method: clinical testing. Allele origin: germline.